The following is an entry in ClinVar:

NM_020778.5(ALPK3):c.612G>C (p.Lys204Asn)

Gene: ALPK3 (alpha kinase 3; plus strand). Cytogenetic location: 15q25.3.
Variant type: single nucleotide variant.
Coding change: c.612G>C on transcript NM_020778.5 (MANE Select); coding-DNA position 612, G replaced by C.
Protein change: p.Lys204Asn; replaces lysine 204 with asparagine.
Molecular consequence: missense variant.
Genome position (GRCh38, 1-based): chr15:84,839,891, G>C. VCF-style: chr15-84839891-G-C. GRCh37 (hg19) VCF-style: chr15-85383122-G-C.
Other names: short protein forms K204N.
Identifiers: ClinVar variation 4799654 (VCV004799654.1).

ClinVar aggregate classification (germline): Uncertain significance (1 of 4 stars; one submission).

Submission:

Labcorp Genetics (formerly Invitae), Labcorp
Classification: Uncertain significance. Last evaluated: 2025-02-12. Review status: criteria provided, single submitter. Criteria: Invitae Variant Classification Sherloc (09022015). Collection method: clinical testing. Allele origin: germline.
Comment: This sequence change replaces lysine, which is basic and polar, with asparagine, which is neutral and polar, at codon 406 of the ALPK3 protein (p.Lys406Asn). This variant is not present in population databases (gnomAD no frequency). This variant has not been reported in the literature in individuals affected with ALPK3-related conditions. Invitae Evidence Modeling of protein sequence and biophysical properties (such as structural, functional, and spatial information, amino acid conservation, physicochemical variation, residue mobility, and thermodynamic stability) indicates that this missense variant is expected to disrupt ALPK3 protein function with a positive predictive value of 80%. In summary, the available evidence is currently insufficient to determine the role of this variant in disease. Therefore, it has been classified as a Variant of Uncertain Significance.